The following is an entry in ClinVar:

ClinVar aggregate classification (germline): Uncertain significance. Review status: criteria provided, multiple submitters, no conflicts (2 of 4 stars). 3 submissions from 3 submitters: Uncertain significance (3). Last evaluated 2024-09-23.

Conditions:
Wilson disease (WND). Also called: Wilson's disease. Identifiers: Orphanet 905, MedGen C0019202, MONDO:0010200, OMIM 277900. Disease mechanism: loss of function.

Allele frequency attached by ClinVar (database versions not stated): gnomAD exomes below 0.00001 and 0.00001; ExAC 0.00001; TOPMed 0.00002; gnomAD 0.00003; ESP Exome Variant Server 0.00008.
gnomAD v4.1: 19 of 1,613,788 alleles (0.0012%); highest among the groups gnomAD compares: Non-Finnish European, 0.0015%; no homozygotes.

Submissions (3):

All of Us Research Program, National Institutes of Health
Classification: Uncertain significance for Wilson disease. Last evaluated: 2024-09-23. Review status: criteria provided, single submitter. Criteria: ACMG Guidelines, 2015. Collection method: clinical testing. Allele origin: germline. Inheritance: Autosomal recessive inheritance. Observed: 4 variant alleles, 4 heterozygotes.
Comment: This missense variant replaces methionine with isoleucine at codon 682 of the ATP7B protein. Computational prediction is inconclusive regarding the impact of this variant on protein structure and function (internally defined REVEL score threshold 0.6 < inconclusive < 0.7, PMID: 27666373). To our knowledge, functional studies have not been reported for this variant. This variant has not been reported in individuals affected with ATP7B-related disorders in the literature. This variant has been identified in 1/249218 chromosomes in the general population by the Genome Aggregation Database (gnomAD). The available evidence is insufficient to determine the role of this variant in disease conclusively. Therefore, this variant is classified as a Variant of Uncertain Significance.

This study involves interpretation of variants in research participants for the purpose of population health screening. Participant phenotype was not available at the time of variant classification. Additional details can be found in publication PMID: 35346344, PMCID: PMC8962531

Fulgent Genetics
Classification: Uncertain significance for Wilson disease. Last evaluated: 2024-04-28. Review status: criteria provided, single submitter. Criteria: ACMG Guidelines, 2015. Collection method: clinical testing. Allele origin: germline.

Labcorp Genetics (formerly Invitae), Labcorp
Classification: Uncertain significance for Wilson disease. Last evaluated: 2022-02-18. Review status: criteria provided, single submitter. Criteria: Invitae Variant Classification Sherloc (09022015). Collection method: clinical testing. Allele origin: germline.
Comment: This sequence change replaces methionine, which is neutral and non-polar, with isoleucine, which is neutral and non-polar, at codon 682 of the ATP7B protein (p.Met682Ile). This variant is present in population databases (rs370398602, gnomAD 0.007%). This variant has not been reported in the literature in individuals affected with ATP7B-related conditions. Algorithms developed to predict the effect of missense changes on protein structure and function (SIFT, PolyPhen-2, Align-GVGD) all suggest that this variant is likely to be tolerated. In summary, the available evidence is currently insufficient to determine the role of this variant in disease. Therefore, it has been classified as a Variant of Uncertain Significance.

NM_000053.4(ATP7B):c.2046G>C (p.Met682Ile)

Gene: ATP7B (ATPase copper transporting beta; minus strand). Cytogenetic location: 13q14.3.
Variant type: single nucleotide variant.
Coding change: c.2046G>C on transcript NM_000053.4 (MANE Select); coding-DNA position 2046, G replaced by C.
Protein change: p.Met682Ile; replaces methionine 682 with isoleucine.
Molecular consequence: missense variant. On other transcripts: intron variant (2).
Genome position (GRCh38, 1-based): chr13:51,960,223, C>G on the plus strand (G>C on the coding strand, the complement: ATP7B is on the minus strand). VCF-style: chr13-51960223-C-G. GRCh37 (hg19) VCF-style: chr13-52534359-C-G.
Other names: c.1713G>C, p.Met571Ile (NM_001243182.2); c.2046G>C, p.Met682Ile (NM_001330578.2); c.1870-2616G>C (NM_001005918.3); c.1870-1679G>C (NM_001330579.2); short protein forms M571I, M682I.
Identifiers: ClinVar variation 1416491 (VCV001416491.6), dbSNP rs370398602, ClinGen allele CA6989129.